The following is an entry in ClinVar:

NM_007373.4(SHOC2):c.1394A>G (p.Asn465Ser)

Gene: SHOC2 (SHOC2 leucine rich repeat scaffold protein; plus strand). Cytogenetic location: 10q25.2.
Variant type: single nucleotide variant.
Coding change: c.1394A>G on transcript NM_007373.4 (MANE Select); coding-DNA position 1394, A replaced by G.
Protein change: p.Asn465Ser; replaces asparagine 465 with serine.
Molecular consequence: missense variant. On other transcripts: non-coding transcript variant (1).
Genome position (GRCh38, 1-based): chr10:111,009,357, A>G. VCF-style: chr10-111009357-A-G. GRCh37 (hg19) VCF-style: chr10-112769115-A-G.
Other names: c.1256A>G, p.Asn419Ser (NM_001269039.3); c.1394A>G, p.Asn465Ser (NM_001324336.2, NM_001324337.2); short protein forms N419S, N465S.
Identifiers: ClinVar variation 3658599 (VCV003658599.2).
Genomic context (GRCh38, chr10:111,009,357, plus strand): 5'-GAAACCTTAGGAAGTTAAGAGAGTTGGATCTAGAAGAGAACAAATTGGAATCCTTGCCAA[A>G]TGAAATTGCATATCTTAAGGATTTACAGGTAAACATTATGCTGATTTTGTAGTTTTATAA-3'
Protein context (NP_031399.2, residues 455-475): LEENKLESLP[Asn465Ser]EIAYLKDLQK

ClinVar aggregate classification (germline): Uncertain significance (1 of 4 stars; one submission).

Conditions:
RASopathy. Also called: rasopathies; Noonan spectrum disorder. Identifiers: Orphanet 536391, MedGen C5555857, MONDO:0021060.

gnomAD v4.1: 1 of 1,610,730 alleles (0.000062%); highest among the groups gnomAD compares: Admixed American, 0.0017%; no homozygotes.

Submission:

Labcorp Genetics (formerly Invitae), Labcorp
Classification: Uncertain significance for RASopathy. Last evaluated: 2024-07-03. Review status: criteria provided, single submitter. Criteria: Invitae Variant Classification Sherloc (09022015). Collection method: clinical testing. Allele origin: germline.
Comment: This sequence change replaces asparagine, which is neutral and polar, with serine, which is neutral and polar, at codon 465 of the SHOC2 protein (p.Asn465Ser). This variant is not present in population databases (gnomAD no frequency). This variant has not been reported in the literature in individuals affected with SHOC2-related conditions. Advanced modeling of protein sequence and biophysical properties (such as structural, functional, and spatial information, amino acid conservation, physicochemical variation, residue mobility, and thermodynamic stability) performed at Invitae indicates that this missense variant is not expected to disrupt SHOC2 protein function with a negative predictive value of 80%. In summary, the available evidence is currently insufficient to determine the role of this variant in disease. Therefore, it has been classified as a Variant of Uncertain Significance.